The following is an entry in ClinVar:

NM_000371.4(TTR):c.*3_*11del

Gene: TTR (transthyretin; plus strand). Cytogenetic location: 18q12.1.
Variant type: Deletion.
Coding change: c.*3_*11del on transcript NM_000371.4 (MANE Select); 3 bases downstream of the stop codon through 11 bases downstream of the stop codon, 9 bases deleted (GACTTCTCC; older notation c.*3_*11delGACTTCTCC).
Molecular consequence: 3 prime UTR variant.
Genome position (GRCh38, 1-based): chr18:31,598,678-31,598,686, GACTTCTCC deleted. VCF-style (leftmost placement, unchanged base first): chr18-31598677-GGACTTCTCC-G. GRCh37 (hg19) VCF-style: chr18-29178640-GGACTTCTCC-G.
Other names: c.*3_*11delGACTTCTCC; c.*3_*11delGACTTCTCC (NM_000371.3).
Identifiers: ClinVar variation 43452 (VCV000043452.26), dbSNP rs143948820, ClinGen allele CA132596.

ClinVar aggregate classification (germline): Benign/Likely benign. Review status: criteria provided, multiple submitters, no conflicts (2 of 4 stars). 10 submissions from 10 submitters: Benign (8); Likely benign (2). Last evaluated 2025-04-09.

Conditions:
Cardiovascular phenotype. Identifiers: MedGen CN230736.
Charcot-Marie-Tooth disease. Also called: Charcot-Marie-Tooth Hereditary Neuropathy; Charcot-Marie-Tooth Neuropathy. Identifiers: Orphanet 166, MedGen C0007959, MONDO:0015626.
Cardiomyopathy (CMYO). Also called: Cardiomyopathies. Identifiers: Orphanet 167848, MedGen C0878544, MONDO:0004994, HP:0001638. Inheritance: Various modes of inheritance.

Allele frequency attached by ClinVar (database versions not stated): gnomAD exomes 0.00057 and 0.00214; gnomAD 0.00076 and 0.00106; TOPMed 0.00149; ExAC 0.00209; 1000 Genomes Project 30x 0.00453; 1000 Genomes Project 0.00479.

Submissions (10):

Molecular Diagnostic Laboratory for Inherited Cardiovascular Disease, Montreal Heart Institute
Classification: Likely benign. Last evaluated: 2025-04-09. Review status: criteria provided, single submitter. Criteria: ACMG Guidelines, 2015. Collection method: clinical testing. Allele origin: germline. Affected: no.
Comment: BS1;BP6

ARUP Laboratories, Molecular Genetics and Genomics, ARUP Laboratories
Classification: Benign. Last evaluated: 2025-01-30. Review status: criteria provided, single submitter. Criteria: ARUP Molecular Germline Variant Investigation Process 2024. Collection method: clinical testing. Allele origin: germline.

Blueprint Genetics
Classification: Likely benign. Last evaluated: 2024-11-20. Review status: criteria provided, single submitter. Criteria: ACMG Guidelines, 2015. Collection method: clinical testing. Allele origin: germline.

Athena Diagnostics
Classification: Benign. Last evaluated: 2018-06-29. Review status: criteria provided, single submitter. Criteria: Athena Diagnostics Criteria. Collection method: clinical testing. Allele origin: germline.

CHEO Genetics Diagnostic Laboratory, Children's Hospital of Eastern Ontario
Classification: Benign for Cardiomyopathy. Last evaluated: 2017-04-28. Review status: criteria provided, single submitter. Criteria: ACMG Guidelines, 2015. Collection method: clinical testing. Allele origin: germline. Study: Canadian Open Genetics Repository.

Women's Health and Genetics/Laboratory Corporation of America, LabCorp
Classification: Benign. Last evaluated: 2016-12-06. Review status: criteria provided, single submitter. Criteria: LabCorp Variant Classification Summary - May 2015. Collection method: clinical testing. Allele origin: germline.
Comment: Variant summary: The TTR c.*3_*11delGACTTCTCC variant involves the alteration of a non-conserved nucleotide. One in silico tool predicts a benign outcome for this variant. This variant was found in 253/121230 control chromosomes (5 homozygotes), predominantly observed in the East Asian subpopulation at a frequency of 0.0262914 (227/8634). This frequency is about 841 times the estimated maximal expected allele frequency of a pathogenic TTR variant (0.0000313), suggesting this is likely a benign polymorphism found primarily in the populations of East Asian origin. In addition, multiple clinical diagnostic laboratories/reputable databases classified this variant as benign/likely benign. The variant of interest has not, to our knowledge, been reported in affected individuals via publications and/or reputable databases/clinical diagnostic laboratories; nor evaluated for functional impact by in vivo/vitro studies. Taken together, this variant is classified as benign.

GeneDx
Classification: Benign. Last evaluated: 2016-06-27. Review status: criteria provided, single submitter. Criteria: GeneDx Variant Classification (06012015). Collection method: clinical testing. Allele origin: germline. Affected: yes.
Comment: This variant is considered likely benign or benign based on one or more of the following criteria: it is a conservative change, it occurs at a poorly conserved position in the protein, it is predicted to be benign by multiple in silico algorithms, and/or has population frequency not consistent with disease.

Ambry Genetics
Classification: Benign for Cardiovascular phenotype. Last evaluated: 2015-09-04. Review status: criteria provided, single submitter. Criteria: Ambry Variant Classification Scheme 2023. Collection method: clinical testing. Allele origin: germline.

Laboratory for Molecular Medicine, Mass General Brigham Personalized Medicine
Classification: Benign. Last evaluated: 2013-10-21. Review status: criteria provided, single submitter. Criteria: LMM Criteria. Collection method: clinical testing. Allele origin: germline. Observed: 11 variant alleles.
Comment: *3_*11del in the 3' UTR of TTR: This variant is not expected to have clinical si gnificance because it has been identified in 2.8% (16/572) of Asian chromosomes from a broad population by the 1000 Genomes project (dbSNP rs143948820). *3_*1 1del in the 3' UTR of TTR (rs143948820; allele frequency = 2.8%, 16/572)

Molecular Genetics Laboratory, London Health Sciences Centre
Classification: Benign for Charcot-Marie-Tooth disease. Review status: criteria provided, single submitter. Criteria: ACMG Guidelines, 2015. Collection method: clinical testing. Allele origin: germline. Affected: yes.

Literature cited by the submitters: PubMed 27562180 (cited by Athena Diagnostics); PubMed 24503780 (cited by Ambry Genetics).